The following is an entry in ClinVar:

GRCh37/hg19 22q11.21(chr22:21049800-21465662)x1

Genes: AIFM3 (AIF family member 3; plus strand), CRKL (CRK like proto-oncogene, adaptor protein; plus strand), LZTR1 (leucine zipper like post translational regulator 1; plus strand), P2RX6 (purinergic receptor P2X 6; plus strand), PI4KA (phosphatidylinositol 4-kinase alpha; minus strand) and 4 more. Cytogenetic location: 22q11.21.
Variant type: copy number loss.
Change: copy number 1 (one copy instead of two) of chr22:21,049,800-21,465,662 (415.9 kb, GRCh37 coordinates, 1-based), cytogenetic band 22q11.21.
Identifiers: ClinVar variation 1808672 (VCV001808672.1).

ClinVar aggregate classification (germline): Likely pathogenic (1 of 4 stars; one submission).

Submission:

Quest Diagnostics Nichols Institute San Juan Capistrano
Classification: Likely pathogenic. Last evaluated: 2024-05-23. Review status: criteria provided, single submitter. Criteria: ACMG/ClinGen CNV Guidelines, 2019. Collection method: clinical testing. Allele origin: unknown.
Comment: This copy number loss of 22q11.2 extends from low copy number repeats (LCRs) C to D and has been defined as central 22q11.2 deletion syndrome (ISCA-37516). Individuals with this central 22q11.2 deletion have variable phenotypes (Burnside 2015, Osoegawa 2014, Saacks 2022), although features are highly variable, even within families. CRKL has been proposed as a gene of interest (Breckpot 2012, Lopez-Rivera 2017, Racedo 2015), although haploinsufficiency has not been conclusively established (ISCA-2553). Enrichment of this deletion in clinical populations vs. controls was not found to be significant (p=0.3328; Coe 2014), and there are multiple similar copy number losses of this region in the general populations of the Database of Genomic Variants. Thus, this copy number loss is best described as a susceptibility locus and is interpreted as likely pathogenic. References: Breckpot et al., Am J Med Genet A. 2012 Mar;158A(3):574-80. PMID: 22318985; Burnside et al., Cytogenet Genome Res. 2015;146(2):89-99. PMID: 26278718; Coe et al., Nat Genet. 2014 Oct;46(10):1063-71. PMID: 25217958; Lopez-Rivera et al., N Engl J Med. 2017 Feb 23;376(8):742-754. PMID: 28121514; Osoegawa et al., Am J Med Genet A. 2014 Feb;164A(2):397-406. PMID: 24127225; Racedo et al., Am J Hum Genet. 2015 Feb 5;96(2):235-44. PMID: 25658046; Saacks et al., Circ Genom Precis Med. 2022 Dec;15(6):e003510. PMID: 36205932